The following is an entry in ClinVar:

ClinVar aggregate classification (germline): Uncertain significance (1 of 4 stars; one submission).

Conditions:
TTN-related disorder. Also called: TTN-related disorders; TTN-related condition; TTN-related disease.

gnomAD v4.1: 11 of 1,613,872 alleles (0.00068%); highest among the groups gnomAD compares: Admixed American, 0.0033%; no homozygotes.

Submission:

PreventionGenetics, part of Exact Sciences
Classification: Uncertain significance for TTN-related condition. Last evaluated: 2025-06-19. Review status: criteria provided, single submitter. Criteria: ACMG Guidelines, 2015. Collection method: clinical testing. Allele origin: germline.
Comment: The TTN c.89405C>A variant is predicted to result in the amino acid substitution p.Pro29802His. To our knowledge, this variant has not been reported in the literature. This variant is reported in 0.0058% of alleles in individuals of Latino descent in gnomAD. At this time, the clinical significance of this variant is uncertain due to the absence of conclusive functional and genetic evidence.

NM_001267550.2(TTN):c.89405C>A (p.Pro29802His)

Genes: TTN (titin; minus strand), TTN-AS1 (TTN antisense RNA 1; plus strand). Cytogenetic location: 2q31.2.
Variant type: single nucleotide variant.
Coding change: c.89405C>A on transcript NM_001267550.2 (MANE Select); coding-DNA position 89405, C replaced by A.
Protein change: p.Pro29802His; replaces proline 29802 with histidine.
Molecular consequence: missense variant.
Genome position (GRCh38, 1-based): chr2:178,553,600, G>T on the plus strand (C>A on the coding strand, the complement: TTN is on the minus strand). VCF-style: chr2-178553600-G-T. GRCh37 (hg19) VCF-style: chr2-179418327-G-T.
Other names: c.84482C>A, p.Pro28161His (NM_001256850.1); c.62210C>A, p.Pro20737His (NM_003319.4); c.81701C>A, p.Pro27234His (NM_133378.4); c.62585C>A, p.Pro20862His (NM_133432.3); c.62786C>A, p.Pro20929His (NM_133437.4); short protein forms P20737H, P20929H, P29802H, P20862H, P27234H, P28161H.
Identifiers: ClinVar variation 4989906 (VCV004989906.1).